The following is an entry in ClinVar:

ClinVar aggregate classification (germline): Uncertain significance (1 of 4 stars; one submission).

gnomAD v4.1: 1 of 1,612,638 alleles (0.000062%); highest among the groups gnomAD compares: Non-Finnish European, 0.000085%; no homozygotes.

Submission:

Labcorp Genetics (formerly Invitae), Labcorp
Classification: Uncertain significance. Last evaluated: 2025-01-23. Review status: criteria provided, single submitter. Criteria: Invitae Variant Classification Sherloc (09022015). Collection method: clinical testing. Allele origin: germline.
Comment: This sequence change replaces methionine, which is neutral and non-polar, with leucine, which is neutral and non-polar, at codon 467 of the STAG1 protein (p.Met467Leu). This variant is not present in population databases (gnomAD no frequency). This variant has not been reported in the literature in individuals affected with STAG1-related conditions. Invitae Evidence Modeling of protein sequence and biophysical properties (such as structural, functional, and spatial information, amino acid conservation, physicochemical variation, residue mobility, and thermodynamic stability) indicates that this missense variant is not expected to disrupt STAG1 protein function with a negative predictive value of 80%. In summary, the available evidence is currently insufficient to determine the role of this variant in disease. Therefore, it has been classified as a Variant of Uncertain Significance.

NM_005862.3(STAG1):c.1399A>T (p.Met467Leu)

Gene: STAG1 (STAG1 cohesin complex component; minus strand). Cytogenetic location: 3q22.3.
Variant type: single nucleotide variant.
Coding change: c.1399A>T on transcript NM_005862.3 (MANE Select); coding-DNA position 1399, A replaced by T.
Protein change: p.Met467Leu; replaces methionine 467 with leucine.
Molecular consequence: missense variant.
Genome position (GRCh38, 1-based): chr3:136,452,062, T>A on the plus strand (A>T on the coding strand, the complement: STAG1 is on the minus strand). VCF-style: chr3-136452062-T-A. GRCh37 (hg19) VCF-style: chr3-136170904-T-A.
Other names: short protein forms M467L.
Identifiers: ClinVar variation 3631094 (VCV003631094.2).